The following is an entry in ClinVar:

ClinVar aggregate classification (germline): Pathogenic (1 of 4 stars; one submission).

Conditions:
Congenital adrenal hyperplasia due to cytochrome P450 oxidoreductase deficiency. Also called: DISORDERED STEROIDOGENESIS DUE TO POR DEFICIENCY. Identifiers: Orphanet 95699, MedGen C1860042, MONDO:0013310, OMIM 613571.

gnomAD v4.1: 1 of 1,613,204 alleles (0.000062%); highest among the groups gnomAD compares: Non-Finnish European, 0.000085%; no homozygotes.

Submission:

Labcorp Genetics (formerly Invitae), Labcorp
Classification: Pathogenic for Congenital adrenal hyperplasia due to cytochrome P450 oxidoreductase deficiency. Last evaluated: 2026-01-19. Review status: criteria provided, single submitter. Criteria: Invitae Variant Classification Sherloc (09022015). Collection method: clinical testing. Allele origin: germline.
Comment: This sequence change creates a premature translational stop signal (p.Gln160*) in the POR gene. It is expected to result in an absent or disrupted protein product. Loss-of-function variants in POR are known to be pathogenic (PMID: 14758361, 20732302, 21741353). This variant is not present in population databases (gnomAD no frequency). This variant has not been reported in the literature in individuals affected with POR-related conditions. For these reasons, this variant has been classified as Pathogenic.

Literature cited by the submitters: PubMed 14758361; PubMed 20732302; PubMed 21741353.

NM_001395413.1(POR):c.469C>T (p.Gln157Ter)

Gene: POR (cytochrome p450 oxidoreductase; plus strand). Cytogenetic location: 7q11.23.
Variant type: single nucleotide variant.
Coding change: c.469C>T on transcript NM_001395413.1 (MANE Select); coding-DNA position 469, C replaced by T.
Protein change: p.Gln157Ter; replaces glutamine 157 with a stop codon.
Molecular consequence: nonsense.
Genome position (GRCh38, 1-based): chr7:75,980,450, C>T. VCF-style: chr7-75980450-C-T. GRCh37 (hg19) VCF-style: chr7-75609768-C-T.
Other names: c.469C>T, p.Gln157Ter (NM_001367562.3, NM_001382657.2, NM_001382658.3 and 2 more transcripts); c.523C>T, p.Gln175Ter (NM_001382655.3); short protein forms Q157*, Q175*.
Identifiers: ClinVar variation 4811061 (VCV004811061.1).
Genomic context (GRCh38, chr7:75,980,450, plus strand): 5'-ATGGCCACCTACGGTGAGGGAGACCCCACCGACAATGCCCAGGACTTCTACGACTGGCTG[C>T]AGGAGACAGACGTGGATCTCTCTGGGGTCAAGTTCGCGGTGAGTCACCCAGAGACTGCTA-3'